The following is an entry in ClinVar:

NM_007118.4(TRIO):c.7466T>G (p.Ile2489Ser)

Gene: TRIO (trio Rho guanine nucleotide exchange factor; plus strand). Cytogenetic location: 5p15.2.
Variant type: single nucleotide variant.
Coding change: c.7466T>G on transcript NM_007118.4 (MANE Select); coding-DNA position 7466, T replaced by G.
Protein change: p.Ile2489Ser; replaces isoleucine 2489 with serine.
Molecular consequence: missense variant.
Genome position (GRCh38, 1-based): chr5:14,488,094, T>G. VCF-style: chr5-14488094-T-G. GRCh37 (hg19) VCF-style: chr5-14488203-T-G.
Other names: short protein forms I2489S.
Identifiers: ClinVar variation 3341902 (VCV003341902.16).
Genomic context (GRCh38, chr5:14,488,094, plus strand): 5'-GCAAGGAGCCCTTCCCCCCCAGCAGCCCCCTGCAGAAGGGGGGCTCCTTCTGGAGCTCCA[T>G]CCCCGCCTCCCCCGCCAGCCGACCCGGCTCCTTCACCTTCCCGGGGGACAGCGACTCCCT-3'
Protein context (NP_009049.2, residues 2479-2499): LQKGGSFWSS[Ile2489Ser]PASPASRPGS

ClinVar aggregate classification (germline): Uncertain significance (1 of 4 stars; one submission).

gnomAD v4.1: 3 of 1,602,778 alleles (0.00019%); highest among the groups gnomAD compares: Non-Finnish European, 0.00025%; no homozygotes.

Submission:

CeGaT Center for Human Genetics Tuebingen
Classification: Uncertain significance. Last evaluated: 2024-09-01. Review status: criteria provided, single submitter. Criteria: CeGaT Center For Human Genetics Tuebingen Variant Classification Criteria Version 2. Collection method: clinical testing. Allele origin: germline. Affected: yes. Observed: 1 variant allele.
Comment: TRIO: PM2, BP4